The following is an entry in ClinVar:

ClinVar aggregate classification (germline): Uncertain significance (1 of 4 stars; one submission).

Conditions:
Progressive sclerosing poliodystrophy (MTDPS4A). Also called: ALPERS PROGRESSIVE INFANTILE POLIODYSTROPHY; NEURONAL DEGENERATION OF CHILDHOOD WITH LIVER DISEASE, PROGRESSIVE; Alpers Syndrome; ALPERS DIFFUSE DEGENERATION OF CEREBRAL GRAY MATTER WITH HEPATIC CIRRHOSIS; Alpers-Huttenlocher Syndrome; Mitochondrial DNA depletion syndrome 4A (Alpers type). Identifiers: Orphanet 726, MedGen C0205710, MONDO:0008758, OMIM 203700.

Submission:

Labcorp Genetics (formerly Invitae), Labcorp
Classification: Uncertain significance for Progressive sclerosing poliodystrophy. Last evaluated: 2024-06-07. Review status: criteria provided, single submitter. Criteria: Invitae Variant Classification Sherloc (09022015). Collection method: clinical testing. Allele origin: germline.
Comment: This sequence change replaces arginine, which is basic and polar, with leucine, which is neutral and non-polar, at codon 126 of the POLG protein (p.Arg126Leu). This variant is not present in population databases (gnomAD no frequency). This variant has not been reported in the literature in individuals affected with POLG-related conditions. Advanced modeling of protein sequence and biophysical properties (such as structural, functional, and spatial information, amino acid conservation, physicochemical variation, residue mobility, and thermodynamic stability) has been performed at Invitae for this missense variant, however the output from this modeling did not meet the statistical confidence thresholds required to predict the impact of this variant on POLG protein function. In summary, the available evidence is currently insufficient to determine the role of this variant in disease. Therefore, it has been classified as a Variant of Uncertain Significance.

NM_002693.3(POLG):c.377G>T (p.Arg126Leu)

Genes: POLGARF (POLG alternative reading frame; minus strand), POLG (DNA polymerase gamma, catalytic subunit; minus strand). Cytogenetic location: 15q26.1.
Variant type: single nucleotide variant.
Coding change: c.377G>T on transcript NM_002693.3 (MANE Select); coding-DNA position 377, G replaced by T.
Protein change: p.Arg126Leu; replaces arginine 126 with leucine.
Molecular consequence: missense variant. On other transcripts: synonymous variant (1).
Genome position (GRCh38, 1-based): chr15:89,333,378, C>A on the plus strand (G>T on the coding strand, the complement: POLG is on the minus strand). VCF-style: chr15-89333378-C-A. GRCh37 (hg19) VCF-style: chr15-89876609-C-A.
Other names: c.432G>T, p.Ala144= (NM_001430120.1); c.377G>T, p.Arg126Leu (NM_001126131.2); short protein forms R126L.
Identifiers: ClinVar variation 3691767 (VCV003691767.2).